The following is an entry in ClinVar:

ClinVar aggregate classification (germline): Uncertain significance. Review status: criteria provided, multiple submitters, no conflicts (2 of 4 stars). 2 submissions from 2 submitters: Uncertain significance (2). Last evaluated 2025-03-24.

Conditions:
Chédiak-Higashi syndrome (CHS). Also called: Chediak-Higashi Syndrome. Identifiers: Orphanet 167, MedGen C0007965, MONDO:0008963, OMIM 214500.

Allele frequency attached by ClinVar (database versions not stated): gnomAD exomes 0.00001.
gnomAD v4.1: 3 of 1,613,982 alleles (0.00019%); highest among the groups gnomAD compares: Non-Finnish European, 0.00025%; no homozygotes.

Submissions (2):

Mayo Clinic Laboratories, Mayo Clinic
Classification: Uncertain significance. Last evaluated: 2025-03-24. Review status: criteria provided, single submitter. Criteria: ACMG Guidelines, 2015. Collection method: clinical testing. Allele origin: germline. Observed: 1 variant allele.
Comment: BP4_moderate, PM2_supporting

Labcorp Genetics (formerly Invitae), Labcorp
Classification: Uncertain significance for Chédiak-Higashi syndrome. Last evaluated: 2021-08-26. Review status: criteria provided, single submitter. Criteria: Invitae Variant Classification Sherloc (09022015). Collection method: clinical testing. Allele origin: germline.
Comment: This sequence change replaces aspartic acid with glycine at codon 1037 of the LYST protein (p.Asp1037Gly). The aspartic acid residue is weakly conserved and there is a moderate physicochemical difference between aspartic acid and glycine. This variant is not present in population databases (ExAC no frequency). This variant has not been reported in the literature in individuals affected with LYST-related conditions. Algorithms developed to predict the effect of missense changes on protein structure and function (SIFT, PolyPhen-2, Align-GVGD) all suggest that this variant is likely to be tolerated. Algorithms developed to predict the effect of sequence changes on RNA splicing suggest that this variant may create or strengthen a splice site. In summary, the available evidence is currently insufficient to determine the role of this variant in disease. Therefore, it has been classified as a Variant of Uncertain Significance.

NM_000081.4(LYST):c.3110A>G (p.Asp1037Gly)

Gene: LYST (lysosomal trafficking regulator; minus strand). Cytogenetic location: 1q42.3.
Variant type: single nucleotide variant.
Coding change: c.3110A>G on transcript NM_000081.4 (MANE Select); coding-DNA position 3110, A replaced by G.
Protein change: p.Asp1037Gly; replaces aspartic acid 1037 with glycine.
Molecular consequence: missense variant.
Genome position (GRCh38, 1-based): chr1:235,806,026, T>C on the plus strand (A>G on the coding strand, the complement: LYST is on the minus strand). VCF-style: chr1-235806026-T-C. GRCh37 (hg19) VCF-style: chr1-235969326-T-C.
Other names: p.Asp1037Gly; c.3110A>G, p.Asp1037Gly (NM_001301365.1); short protein forms D1037G.
Identifiers: ClinVar variation 844559 (VCV000844559.8), dbSNP rs2527073794, ClinGen allele CA344953433.